The following is an entry in ClinVar:

NM_016203.4(PRKAG2):c.165C>T (p.Ser55=)

Gene: PRKAG2 (protein kinase AMP-activated non-catalytic subunit gamma 2; minus strand). Cytogenetic location: 7q36.1.
Variant type: single nucleotide variant.
Coding change: c.165C>T on transcript NM_016203.4 (MANE Select); coding-DNA position 165, C replaced by T.
Protein change: p.Ser55=; no amino-acid change (serine 55 retained).
Molecular consequence: synonymous variant.
Genome position (GRCh38, 1-based): chr7:151,786,491, G>A on the plus strand (C>T on the coding strand, the complement: PRKAG2 is on the minus strand). VCF-style: chr7-151786491-G-A. GRCh37 (hg19) VCF-style: chr7-151483577-G-A.
Other names: c.165C>T (NM_016203.3); c.33C>T, p.Ser11= (NM_001040633.2).
Identifiers: ClinVar variation 927725 (VCV000927725.15), dbSNP rs202056358, ClinGen allele CA055718.

ClinVar aggregate classification (germline): Likely benign. Review status: criteria provided, multiple submitters, no conflicts (2 of 4 stars). 5 submissions from 5 submitters: Likely benign (5). Last evaluated 2026-04-24.

Conditions:
Cardiovascular phenotype. Identifiers: MedGen CN230736.
Lethal congenital glycogen storage disease of heart. Also called: GLYCOGEN STORAGE DISEASE OF HEART; PHOSPHORYLASE KINASE DEFICIENCY OF HEART. Identifiers: Orphanet 439854, MedGen C1849813, MONDO:0009867, OMIM 261740.
Hypertrophic cardiomyopathy. Also called: HYPERTROPHIC MYOCARDIOPATHY. Identifiers: Orphanet 217569, MedGen C0007194, MeSH D002312, MONDO:0005045, HP:0001639.
PRKAG2-related disorder. Also called: PRKAG2-related condition; PRKAG2-related disorders.
Cardiomyopathy (CMYO). Also called: Cardiomyopathies. Identifiers: Orphanet 167848, MedGen C0878544, MONDO:0004994, HP:0001638. Inheritance: Various modes of inheritance.

Allele frequency attached by ClinVar (database versions not stated): gnomAD exomes 0.00001 and 0.00002; ExAC 0.00002; gnomAD 0.00004 and 0.00005; TOPMed 0.00006; 1000 Genomes Project 0.00020; 1000 Genomes Project 30x 0.00031.
gnomAD v4.1: 18 of 1,612,690 alleles (0.0011%); highest among the groups gnomAD compares: African/African-American, 0.012%; no homozygotes.

Submissions (5):

PreventionGenetics, part of Exact Sciences
Classification: Likely benign for PRKAG2-related condition. Last evaluated: 2026-04-24. Review status: criteria provided, single submitter. Criteria: ACMG Guidelines, 2015. Collection method: clinical testing. Allele origin: germline.
Comment: This variant is classified as likely benign based on ACMG/AMP sequence variant interpretation guidelines (Richards et al. 2015 PMID: 25741868, with internal and published modifications).

Labcorp Genetics (formerly Invitae), Labcorp
Classification: Likely benign for Lethal congenital glycogen storage disease of heart. Last evaluated: 2025-10-22. Review status: criteria provided, single submitter. Criteria: Invitae Variant Classification Sherloc (09022015). Collection method: clinical testing. Allele origin: germline.

All of Us Research Program, National Institutes of Health
Classification: Likely benign for Hypertrophic cardiomyopathy. Last evaluated: 2024-01-11. Review status: criteria provided, single submitter. Criteria: ACMG Guidelines, 2015. Collection method: clinical testing. Allele origin: germline. Inheritance: Autosomal dominant inheritance. Observed: 3 variant alleles, 3 heterozygotes.
Comment: This study involves interpretation of variants in research participants for the purpose of population health screening. Participant phenotype was not available at the time of variant classification. Additional details can be found in publication PMID: 35346344, PMCID: PMC8962531

Ambry Genetics
Classification: Likely benign for Cardiovascular phenotype. Last evaluated: 2020-12-10. Review status: criteria provided, single submitter. Criteria: Ambry Variant Classification Scheme 2023. Collection method: clinical testing. Allele origin: germline.

Color Diagnostics, LLC DBA Color Health
Classification: Likely benign for Cardiomyopathy. Last evaluated: 2018-11-30. Review status: criteria provided, single submitter. Criteria: ACMG Guidelines, 2015. Collection method: clinical testing. Allele origin: germline.